The following is an entry in ClinVar:

NM_001131016.2(CIZ1):c.1129C>T (p.Pro377Ser)

Gene: CIZ1 (CDKN1A interacting zinc finger protein 1; minus strand). Cytogenetic location: 9q34.11.
Variant type: single nucleotide variant.
Coding change: c.1129C>T on transcript NM_001131016.2 (MANE Select); coding-DNA position 1129, C replaced by T.
Protein change: p.Pro377Ser; replaces proline 377 with serine.
Molecular consequence: missense variant.
Genome position (GRCh38, 1-based): chr9:128,179,078, G>A on the plus strand (C>T on the coding strand, the complement: CIZ1 is on the minus strand). VCF-style: chr9-128179078-G-A. GRCh37 (hg19) VCF-style: chr9-130941357-G-A.
Other names: c.1129C>T, p.Pro377Ser (NM_001131015.2, NM_012127.3); c.1114C>T, p.Pro372Ser (NM_001131017.2); c.1057C>T, p.Pro353Ser (NM_001131018.2); c.1219C>T, p.Pro407Ser (NM_001257975.2); c.826C>T, p.Pro276Ser (NM_001257976.2); short protein forms P276S, P372S, P377S, P353S, P407S.
Identifiers: ClinVar variation 2693255 (VCV002693255.3), dbSNP rs1831237466, ClinGen allele CA375027960.
Genomic context (GRCh38, chr9:128,179,078, plus strand): 5'-CCTCCTGCTGCAGCTGCACCTGCCTTGGGCCCTGTGAATGTGCCTGTGGCTGTACCTGTG[G>A]CTGCACCTGCTTCTGTGGCTCTGCCTCCTGCTGCAGCTGTGGCTGCACCTGCTTCTGTTG-3'
Protein context (NP_001124488.1, residues 367-387): QEAEPQKQVQ[Pro377Ser]QVQPQAHSQG

ClinVar aggregate classification (germline): Uncertain significance (1 of 4 stars; one submission).

Conditions:
Dystonic disorder. Also called: Dystonia. Identifiers: MedGen C0013421, MONDO:0003441, HP:0001332.

Submission:

Labcorp Genetics (formerly Invitae), Labcorp
Classification: Uncertain significance for Dystonic disorder. Last evaluated: 2023-11-04. Review status: criteria provided, single submitter. Criteria: Invitae Variant Classification Sherloc (09022015). Collection method: clinical testing. Allele origin: germline.
Comment: This sequence change replaces proline, which is neutral and non-polar, with serine, which is neutral and polar, at codon 377 of the CIZ1 protein (p.Pro377Ser). This variant is not present in population databases (gnomAD no frequency). This variant has not been reported in the literature in individuals affected with CIZ1-related conditions. Algorithms developed to predict the effect of missense changes on protein structure and function output the following: SIFT: "Not Available"; PolyPhen-2: "Benign"; Align-GVGD: "Not Available". The serine amino acid residue is found in multiple mammalian species, which suggests that this missense change does not adversely affect protein function. In summary, the available evidence is currently insufficient to determine the role of this variant in disease. Therefore, it has been classified as a Variant of Uncertain Significance.